The following is an entry in ClinVar:

ClinVar aggregate classification (germline): Uncertain significance (1 of 4 stars; one submission).

Allele frequency attached by ClinVar (database versions not stated): gnomAD exomes below 0.00001.
gnomAD v4.1: 2 of 1,568,000 alleles (0.00013%); highest among the groups gnomAD compares: Middle Eastern, 0.017%; no homozygotes.

Submission:

Labcorp Genetics (formerly Invitae), Labcorp
Classification: Uncertain significance. Last evaluated: 2021-12-23. Review status: criteria provided, single submitter. Criteria: Invitae Variant Classification Sherloc (09022015). Collection method: clinical testing. Allele origin: germline.
Comment: This sequence change replaces aspartic acid, which is acidic and polar, with valine, which is neutral and non-polar, at codon 1890 of the CPLANE1 protein (p.Asp1890Val). This variant is not present in population databases (gnomAD no frequency). This variant has not been reported in the literature in individuals affected with CPLANE1-related conditions. Advanced modeling of protein sequence and biophysical properties (such as structural, functional, and spatial information, amino acid conservation, physicochemical variation, residue mobility, and thermodynamic stability) performed at Invitae indicates that this missense variant is not expected to disrupt CPLANE1 protein function. In summary, the available evidence is currently insufficient to determine the role of this variant in disease. Therefore, it has been classified as a Variant of Uncertain Significance.

NM_001384732.1(CPLANE1):c.5669A>T (p.Asp1890Val)

Gene: CPLANE1 (ciliogenesis and planar polarity effector complex subunit 1; minus strand). Cytogenetic location: 5p13.2.
Variant type: single nucleotide variant.
Coding change: c.5669A>T on transcript NM_001384732.1 (MANE Select); coding-DNA position 5669, A replaced by T.
Protein change: p.Asp1890Val; replaces aspartic acid 1890 with valine.
Molecular consequence: missense variant.
Genome position (GRCh38, 1-based): chr5:37,180,085, T>A on the plus strand (A>T on the coding strand, the complement: CPLANE1 is on the minus strand). VCF-style: chr5-37180085-T-A. GRCh37 (hg19) VCF-style: chr5-37180187-T-A.
Other names: c.5669A>T, p.Asp1890Val (NM_023073.4); short protein forms D1890V.
Identifiers: ClinVar variation 2198540 (VCV002198540.4), dbSNP rs2547771027, ClinGen allele CA359489873.